The following is an entry in ClinVar:

ClinVar aggregate classification (germline): Uncertain significance (1 of 4 stars; one submission).

Conditions:
Jeune thoracic dystrophy. Also called: Jeune syndrome; Infantile thoracic dystrophy; Thoracic pelvic phalangeal dystrophy; Jeune's syndrome; Chondroectodermal dysplasia-like syndrome; Short-rib thoracic dysplasia. Identifiers: Orphanet 474, MedGen C0265275, MONDO:0018770.

Allele frequency attached by ClinVar (database versions not stated): gnomAD exomes below 0.00001; TOPMed below 0.00001.
gnomAD v4.1: 1 of 1,613,298 alleles (0.000062%); highest among the groups gnomAD compares: Non-Finnish European, 0.000085%; no homozygotes.

Submission:

Labcorp Genetics (formerly Invitae), Labcorp
Classification: Uncertain significance for Jeune thoracic dystrophy. Last evaluated: 2020-02-18. Review status: criteria provided, single submitter. Criteria: Invitae Variant Classification Sherloc (09022015). Collection method: clinical testing. Allele origin: germline.
Comment: This sequence change replaces asparagine with serine at codon 519 of the IFT80 protein (p.Asn519Ser). The asparagine residue is highly conserved and there is a small physicochemical difference between asparagine and serine. This variant is not present in population databases (ExAC no frequency). This variant has not been reported in the literature in individuals with IFT80-related conditions. Algorithms developed to predict the effect of missense changes on protein structure and function are either unavailable or do not agree on the potential impact of this missense change (SIFT: "Deleterious"; PolyPhen-2: "Benign"; Align-GVGD: "Class C45"). In summary, the available evidence is currently insufficient to determine the role of this variant in disease. Therefore, it has been classified as a Variant of Uncertain Significance.

NM_020800.3(IFT80):c.1556A>G (p.Asn519Ser)

Genes: IFT80 (intraflagellar transport 80; minus strand), TRIM59-IFT80 (TRIM59-IFT80 readthrough (NMD candidate); minus strand). Cytogenetic location: 3q25.33.
Variant type: single nucleotide variant.
Coding change: c.1556A>G on transcript NM_020800.3 (MANE Select); coding-DNA position 1556, A replaced by G.
Protein change: p.Asn519Ser; replaces asparagine 519 with serine.
Molecular consequence: missense variant. On other transcripts: non-coding transcript variant (3).
Genome position (GRCh38, 1-based): chr3:160,280,775, T>C on the plus strand (A>G on the coding strand, the complement: IFT80 is on the minus strand). VCF-style: chr3-160280775-T-C. GRCh37 (hg19) VCF-style: chr3-159998563-T-C.
Other names: c.1145A>G, p.Asn382Ser (NM_001190241.2, NM_001190242.2); short protein forms N382S, N519S.
Identifiers: ClinVar variation 1055815 (VCV001055815.8), dbSNP rs1714628390, ClinGen allele CA355191355.
Genomic context (GRCh38, chr3:160,280,775, plus strand): 5'-TAAACTGTATTGGGGTAATACCACACTATAAATCGAGTATCTTGAAGTCCACAAAGGATA[T>C]TGCATGTATCGTTCCATGCCAAAGTATGCACCATTGTTCCTTAATTTAAAAAGAATGTTA-3'
Protein context (NP_065851.1, residues 509-529): VHTLAWNDTC[Asn519Ser]ILCGLQDTRF